The following is an entry in ClinVar:

NM_018052.5(VAC14):c.1797C>T (p.Leu599=)

Gene: VAC14 (VAC14 component of PIKFYVE complex; minus strand). Cytogenetic location: 16q22.1.
Variant type: single nucleotide variant.
Coding change: c.1797C>T on transcript NM_018052.5 (MANE Select); coding-DNA position 1797, C replaced by T.
Protein change: p.Leu599=; no amino-acid change (leucine 599 retained).
Molecular consequence: synonymous variant.
Genome position (GRCh38, 1-based): chr16:70,698,676, G>A on the plus strand (C>T on the coding strand, the complement: VAC14 is on the minus strand). VCF-style: chr16-70698676-G-A. GRCh37 (hg19) VCF-style: chr16-70732579-G-A.
Other names: c.1095C>T, p.Leu365= (NM_001351157.2).
Identifiers: ClinVar variation 740535 (VCV000740535.11), dbSNP rs1012820993, ClinGen allele CA283484257.

ClinVar aggregate classification (germline): Likely benign. Review status: criteria provided, multiple submitters, no conflicts (2 of 4 stars). 3 submissions from 3 submitters: Likely benign (2). 1 of the submissions does not count toward it. Last evaluated 2024-11-06.

Conditions:
VAC14-related disorder. Also called: VAC14-related condition.

Allele frequency attached by ClinVar (database versions not stated): gnomAD 0.00001; gnomAD exomes 0.00001; TOPMed 0.00001.
gnomAD v4.1: 19 of 1,614,080 alleles (0.0012%); highest among the groups gnomAD compares: East Asian, 0.0089%; no homozygotes.

Submissions (3):

Blueprint Genetics
Classification: Likely benign. Last evaluated: 2024-11-06. Review status: criteria provided, single submitter. Criteria: ACMG Guidelines, 2015. Collection method: clinical testing. Allele origin: germline.

Labcorp Genetics (formerly Invitae), Labcorp
Classification: Likely benign. Last evaluated: 2024-04-09. Review status: criteria provided, single submitter. Criteria: Invitae Variant Classification Sherloc (09022015). Collection method: clinical testing. Allele origin: germline.

PreventionGenetics, part of Exact Sciences
Classification: Likely benign for VAC14-related condition. Last evaluated: 2019-07-12. Review status: no assertion criteria provided. Collection method: clinical testing. Allele origin: germline. Not counted in ClinVar's aggregate classification.
Comment: This variant is classified as likely benign based on ACMG/AMP sequence variant interpretation guidelines (Richards et al. 2015 PMID: 25741868, with internal and published modifications).